The following is an entry in ClinVar:

NM_133259.4(LRPPRC):c.3986-1G>C

Gene: LRPPRC (leucine rich pentatricopeptide repeat containing; minus strand). Cytogenetic location: 2p21.
Variant type: single nucleotide variant.
Coding change: c.3986-1G>C on transcript NM_133259.4 (MANE Select); the canonical splice acceptor site of the intron before coding-DNA position 3986, G replaced by C.
Molecular consequence: splice acceptor variant.
Genome position (GRCh38, 1-based): chr2:43,889,877, C>G on the plus strand (G>C on the coding strand, the complement: LRPPRC is on the minus strand). VCF-style: chr2-43889877-C-G. GRCh37 (hg19) VCF-style: chr2-44117016-C-G.
Identifiers: ClinVar variation 1067716 (VCV001067716.7), dbSNP rs751068848, ClinGen allele CA1637840.

ClinVar aggregate classification (germline): Likely pathogenic (1 of 4 stars; one submission).

Allele frequency attached by ClinVar (database versions not stated): gnomAD exomes below 0.00001 and 0.00001.
gnomAD v4.1: 2 of 1,602,384 alleles (0.00012%); highest among the groups gnomAD compares: South Asian, 0.0022%; no homozygotes.

Submission:

Labcorp Genetics (formerly Invitae), Labcorp
Classification: Likely pathogenic. Last evaluated: 2020-10-12. Review status: criteria provided, single submitter. Criteria: Invitae Variant Classification Sherloc (09022015). Collection method: clinical testing. Allele origin: germline.
Comment: Algorithms developed to predict the effect of sequence changes on RNA splicing suggest that this variant may disrupt the consensus splice site, but this prediction has not been confirmed by published transcriptional studies. This variant has not been reported in the literature in individuals with LRPPRC-related conditions. This variant is present in population databases (rs751068848, ExAC 0.006%). This sequence change affects an acceptor splice site in intron 36 of the LRPPRC gene. It is expected to disrupt RNA splicing and likely results in an absent or disrupted protein product. Donor and acceptor splice site variants typically lead to a loss of protein function (PMID: 16199547), and loss-of-function variants in LRPPRC are known to be pathogenic (PMID: 26510951). In summary, the currently available evidence indicates that the variant is pathogenic, but additional data are needed to prove that conclusively. Therefore, this variant has been classified as Likely Pathogenic.

Literature cited by the submitters: PubMed 16199547; PubMed 26510951.